The following is an entry in ClinVar:

NM_001035.3(RYR2):c.7076G>A (p.Arg2359Gln)

Gene: RYR2 (ryanodine receptor 2; plus strand). Cytogenetic location: 1q43.
Variant type: single nucleotide variant.
Coding change: c.7076G>A on transcript NM_001035.3 (MANE Select); coding-DNA position 7076, G replaced by A.
Protein change: p.Arg2359Gln; replaces arginine 2359 with glutamine.
Molecular consequence: missense variant.
Genome position (GRCh38, 1-based): chr1:237,639,162, G>A. VCF-style: chr1-237639162-G-A. GRCh37 (hg19) VCF-style: chr1-237802462-G-A.
Other names: short protein forms R2359Q.
Identifiers: ClinVar variation 179595 (VCV000179595.20), dbSNP rs727504976, ClinGen allele CA010522.
Genomic context (GRCh38, chr1:237,639,162, plus strand): 5'-GTGGGAATGGGCTTCTTGCAGCAATGGAAGAAGCCATCAAAATCGCCGAGGATCCTTCCC[G>A]AGATGGTCCCTCACCAAATAGCGGATCCAGTAAAACACTGTAGGTCTAATATACACACCC-3'
Protein context (NP_001026.2, residues 2349-2369): EAIKIAEDPS[Arg2359Gln]DGPSPNSGSS

ClinVar aggregate classification (germline): Conflicting classifications of pathogenicity. Review status: criteria provided, conflicting classifications (1 of 4 stars). 5 submissions from 5 submitters: Uncertain significance (3); Likely benign (2). Last evaluated 2026-01-15.

Conditions:
Cardiovascular phenotype. Identifiers: MedGen CN230736.
Catecholaminergic polymorphic ventricular tachycardia (CVPT). Also called: Catecholamine-induced polymorphic ventricular tachycardia. Identifiers: Orphanet 3286, MedGen C5574922, MONDO:0017990.
Cardiomyopathy (CMYO). Also called: Cardiomyopathies. Identifiers: Orphanet 167848, MedGen C0878544, MONDO:0004994, HP:0001638. Inheritance: Various modes of inheritance.
Catecholaminergic polymorphic ventricular tachycardia 1. Also called: RYR2-Related Catecholaminergic Polymorphic Ventricular Tachycardia; VENTRICULAR TACHYCARDIA, STRESS-INDUCED POLYMORPHIC 1; VENTRICULAR TACHYCARDIA, CATECHOLAMINERGIC POLYMORPHIC, 1, WITH OR WITHOUT ATRIAL DYSFUNCTION AND/OR DILATED CARDIOMYOPATHY. Identifiers: Orphanet 3286, MedGen C1631597, MONDO:0011484, OMIM 604772.

Allele frequency attached by ClinVar (database versions not stated): TOPMed 0.00001; gnomAD exomes 0.00002 and 0.00004; ExAC 0.00006.
gnomAD v4.1: 36 of 1,613,740 alleles (0.0022%); highest among the groups gnomAD compares: East Asian, 0.056%; no homozygotes.

Submissions (5):

Labcorp Genetics (formerly Invitae), Labcorp
Classification: Uncertain significance for Catecholaminergic polymorphic ventricular tachycardia 1. Last evaluated: 2026-01-15. Review status: criteria provided, single submitter. Criteria: Invitae Variant Classification Sherloc (09022015). Collection method: clinical testing. Allele origin: germline.
Comment: This sequence change replaces arginine, which is basic and polar, with glutamine, which is neutral and polar, at codon 2359 of the RYR2 protein (p.Arg2359Gln). This variant is present in population databases (rs727504976, gnomAD 0.03%). This missense change has been observed in individual(s) with catecholaminergic polymorphic ventricular tachycardia, long QT syndrome and/or hypertrophic cardiomyopathy, atrioventricular nodal reentry tachycardia (PMID: 16843546, 29434162, 32508047, 33658040). ClinVar contains an entry for this variant (Variation ID: 179595). Invitae Evidence Modeling of protein sequence and biophysical properties (such as structural, functional, and spatial information, amino acid conservation, physicochemical variation, residue mobility, and thermodynamic stability) has been performed for this missense variant. However, the output from this modeling did not meet the statistical confidence thresholds required to predict the impact of this variant on RYR2 protein function. In summary, the available evidence is currently insufficient to determine the role of this variant in disease. Therefore, it has been classified as a Variant of Uncertain Significance.

Color Diagnostics, LLC DBA Color Health
Classification: Likely benign for Cardiomyopathy. Last evaluated: 2024-10-21. Review status: criteria provided, single submitter. Criteria: ACMG Guidelines, 2015. Collection method: clinical testing. Allele origin: germline.

All of Us Research Program, National Institutes of Health
Classification: Uncertain significance for Catecholaminergic polymorphic ventricular tachycardia. Last evaluated: 2024-09-23. Review status: criteria provided, single submitter. Criteria: ACMG Guidelines, 2015. Collection method: clinical testing. Allele origin: germline. Inheritance: Autosomal dominant inheritance. Observed: 4 variant alleles, 4 heterozygotes.
Comment: This variant replaces arginine with glutamine at codon 2359 of the RYR2 protein. Computational prediction is inconclusive regarding the impact of this variant on protein structure and function (internally defined REVEL score threshold 0.5 < inconclusive < 0.7, PMID: 27666373). To our knowledge, functional studies have not been reported for this variant. This variant has been reported in an individual affected with catecholaminergic polymorphic ventricular tachycardia (PMID: 16843546). This variant was also reported in one individual affected with long QT syndrome and another individual who was affected with hypertrophic cardiomyopathy (PMID: 33658040, 29434162). This variant has been identified in 9/248804 chromosomes in the general population by the Genome Aggregation Database (gnomAD). The available evidence is insufficient to determine the role of this variant in disease conclusively. Therefore, this variant is classified as a Variant of Uncertain Significance.

This study involves interpretation of variants in research participants for the purpose of population health screening. Participant phenotype was not available at the time of variant classification. Additional details can be found in publication PMID: 35346344, PMCID: PMC8962531

Ambry Genetics
Classification: Likely benign for Cardiovascular phenotype. Last evaluated: 2024-03-27. Review status: criteria provided, single submitter. Criteria: Ambry Variant Classification Scheme 2023. Collection method: clinical testing. Allele origin: germline.

Laboratory for Molecular Medicine, Mass General Brigham Personalized Medicine
Classification: Uncertain significance. Last evaluated: 2014-03-21. Review status: criteria provided, single submitter. Criteria: LMM Criteria. Collection method: clinical testing. Allele origin: germline. Observed: 1 variant allele.
Comment: The Arg2359Gln variant was absent from large population studies. Computational prediction tools suggest that this varia nt may impact the protein, though this information is not predictive enough to d etermine pathogenicity. Additional information is needed to fully assess the cli nical significance of the Arg2359Gln variant.

Literature cited by the submitters: PubMed 16843546 (cited by 3 submitters); PubMed 29434162 (cited by Labcorp Genetics (formerly Invitae), Labcorp and All of Us Research Program, National Institutes of Health); PubMed 32508047 (cited by Labcorp Genetics (formerly Invitae), Labcorp); PubMed 33658040 (cited by Labcorp Genetics (formerly Invitae), Labcorp and All of Us Research Program, National Institutes of Health); PubMed 24025405 (cited by Laboratory for Molecular Medicine, Mass General Brigham Personalized Medicine).